The following is an entry in ClinVar:

NM_001098511.3(KIF2A):c.27C>G (p.Ile9Met)

Genes: KIF2A (kinesin family member 2A; plus strand), LOC129993961 (ATAC-STARR-seq lymphoblastoid silent region 16051; plus strand). Cytogenetic location: 5q12.1.
Variant type: single nucleotide variant.
Coding change: c.27C>G on transcript NM_001098511.3 (MANE Select); coding-DNA position 27, C replaced by G.
Protein change: p.Ile9Met; replaces isoleucine 9 with methionine.
Molecular consequence: missense variant. On other transcripts: 5 prime UTR variant (1).
Genome position (GRCh38, 1-based): chr5:62,306,499, C>G. VCF-style: chr5-62306499-C-G. GRCh37 (hg19) VCF-style: chr5-61602326-C-G.
Other names: c.-258C>G (NM_001243952.2); c.27C>G, p.Ile9Met (NM_001243953.2, NM_004520.5); short protein forms I9M.
Identifiers: ClinVar variation 1718686 (VCV001718686.6), dbSNP rs1745280504, ClinGen allele CA359950086.

ClinVar aggregate classification (germline): Uncertain significance (1 of 4 stars; one submission).

Submission:

Labcorp Genetics (formerly Invitae), Labcorp
Classification: Uncertain significance. Last evaluated: 2022-09-02. Review status: criteria provided, single submitter. Criteria: Invitae Variant Classification Sherloc (09022015). Collection method: clinical testing. Allele origin: germline.
Comment: In summary, the available evidence is currently insufficient to determine the role of this variant in disease. Therefore, it has been classified as a Variant of Uncertain Significance. Algorithms developed to predict the effect of missense changes on protein structure and function are either unavailable or do not agree on the potential impact of this missense change (SIFT: "Deleterious"; PolyPhen-2: "Possibly Damaging"; Align-GVGD: "Class C0"). This variant has not been reported in the literature in individuals affected with KIF2A-related conditions. This variant is not present in population databases (gnomAD no frequency). This sequence change replaces isoleucine, which is neutral and non-polar, with methionine, which is neutral and non-polar, at codon 9 of the KIF2A protein (p.Ile9Met).